The following is an entry in ClinVar:

NM_000807.4(GABRA2):c.1060-5644A>T

Gene: GABRA2 (gamma-aminobutyric acid type A receptor subunit alpha2; minus strand). Cytogenetic location: 4p12.
Variant type: single nucleotide variant.
Coding change: c.1060-5644A>T on transcript NM_000807.4 (MANE Select); 5644 bases into the intron before coding-DNA position 1060, A replaced by T.
Molecular consequence: intron variant. On other transcripts: missense variant (4).
Genome position (GRCh38, 1-based): chr4:46,256,248, T>A on the plus strand (A>T on the coding strand, the complement: GABRA2 is on the minus strand). VCF-style: chr4-46256248-T-A. GRCh37 (hg19) VCF-style: chr4-46258265-T-A.
Other names: c.1060-5644A>T (NM_001114175.3, NM_001377151.1, NM_001377146.1 and 4 more transcripts); c.1021A>T, p.Thr341Ser (NM_001286827.3); c.1186A>T, p.Thr396Ser (NM_001330690.2, NM_001377144.1, NM_001377145.1); c.895-5644A>T (NM_001377154.1, NM_001377152.1, NM_001377153.1); short protein forms T396S, T341S.
Identifiers: ClinVar variation 3657504 (VCV003657504.2).
Genomic context (GRCh38, chr4:46,256,248, plus strand): 5'-TACTTACAGAAGATTGTTTGAAGGTTAAACAGTCCATCCACTTCTCTAAGTACTCTAAAG[T>A]CTTTTCTTGGAATAAACTGGGCCATGAGAAAGCTATATACTTGGACCATATTAGCTTAGC-3'

ClinVar aggregate classification (germline): Uncertain significance (1 of 4 stars; one submission).

Submission:

Labcorp Genetics (formerly Invitae), Labcorp
Classification: Uncertain significance. Last evaluated: 2024-09-10. Review status: criteria provided, single submitter. Criteria: Invitae Variant Classification Sherloc (09022015). Collection method: clinical testing. Allele origin: germline.
Comment: This sequence change replaces threonine, which is neutral and polar, with serine, which is neutral and polar, at codon 396 of the GABRA2 protein (p.Thr396Ser). This variant is not present in population databases (gnomAD no frequency). This variant has not been reported in the literature in individuals affected with GABRA2-related conditions. An algorithm developed to predict the effect of missense changes on protein structure and function (PolyPhen-2) suggests that this variant is likely to be tolerated. In summary, the available evidence is currently insufficient to determine the role of this variant in disease. Therefore, it has been classified as a Variant of Uncertain Significance.